The following is an entry in ClinVar:

NM_001081.4(CUBN):c.463T>G (p.Phe155Val)

Gene: CUBN (cubilin; minus strand). Cytogenetic location: 10p13.
Variant type: single nucleotide variant.
Coding change: c.463T>G on transcript NM_001081.4 (MANE Select); coding-DNA position 463, T replaced by G.
Protein change: p.Phe155Val; replaces phenylalanine 155 with valine.
Molecular consequence: missense variant.
Genome position (GRCh38, 1-based): chr10:17,123,614, A>C on the plus strand (T>G on the coding strand, the complement: CUBN is on the minus strand). VCF-style: chr10-17123614-A-C. GRCh37 (hg19) VCF-style: chr10-17165613-A-C.
Other names: short protein forms F155V.
Identifiers: ClinVar variation 1373623 (VCV001373623.6), dbSNP rs2131324118, ClinGen allele CA376168722.

ClinVar aggregate classification (germline): Uncertain significance (1 of 4 stars; one submission).

Conditions:
Imerslund-Grasbeck syndrome. Also called: Imerslund-Gräsbeck syndrome; Megaloblastic anemia due to inborn errors of metabolism; ENTEROCYTE COBALAMIN MALABSORPTION; ENTEROCYTE INTRINSIC FACTOR RECEPTOR, DEFECT OF; PERNICIOUS ANEMIA, JUVENILE, DUE TO SELECTIVE INTESTINAL MALABSORPTION OF VITAMIN B12, WITH PROTEINURIA. Identifiers: Orphanet 35858, MedGen C4551825, MONDO:0009853.

Allele frequency attached by ClinVar (database versions not stated): gnomAD exomes below 0.00001.
gnomAD v4.1: 1 of 1,614,016 alleles (0.000062%); highest among the groups gnomAD compares: Admixed American, 0.0017%; no homozygotes.

Submission:

Labcorp Genetics (formerly Invitae), Labcorp
Classification: Uncertain significance for Imerslund-Grasbeck syndrome. Last evaluated: 2022-07-26. Review status: criteria provided, single submitter. Criteria: Invitae Variant Classification Sherloc (09022015). Collection method: clinical testing. Allele origin: germline.
Comment: In summary, the available evidence is currently insufficient to determine the role of this variant in disease. Therefore, it has been classified as a Variant of Uncertain Significance. Algorithms developed to predict the effect of missense changes on protein structure and function output the following: SIFT: "Tolerated"; PolyPhen-2: "Benign"; Align-GVGD: "Class C0". The valine amino acid residue is found in multiple mammalian species, which suggests that this missense change does not adversely affect protein function. ClinVar contains an entry for this variant (Variation ID: 1373623). This variant has not been reported in the literature in individuals affected with CUBN-related conditions. This variant is not present in population databases (gnomAD no frequency). This sequence change replaces phenylalanine, which is neutral and non-polar, with valine, which is neutral and non-polar, at codon 155 of the CUBN protein (p.Phe155Val).